The following is an entry in ClinVar:

ClinVar aggregate classification (germline): Uncertain significance (1 of 4 stars; one submission).

gnomAD v4.1: 1 of 1,609,058 alleles (0.000062%); highest among the groups gnomAD compares: African/African-American, 0.0013%; no homozygotes.

Submission:

Labcorp Genetics (formerly Invitae), Labcorp
Classification: Uncertain significance. Last evaluated: 2025-04-19. Review status: criteria provided, single submitter. Criteria: Invitae Variant Classification Sherloc (09022015). Collection method: clinical testing. Allele origin: germline.
Comment: This sequence change falls in intron 2 of the TM4SF20 gene. It does not directly change the encoded amino acid sequence of the TM4SF20 protein. This variant is present in population databases (no rsID available, gnomAD 0.01%). This variant has not been reported in the literature in individuals affected with TM4SF20-related conditions. Algorithms developed to predict the effect of sequence changes on RNA splicing suggest that this variant may create or strengthen a splice site. In summary, the available evidence is currently insufficient to determine the role of this variant in disease. Therefore, it has been classified as a Variant of Uncertain Significance.

NM_024795.4(TM4SF20):c.250-11T>G

Gene: TM4SF20 (transmembrane 4 L six family member 20; minus strand). Cytogenetic location: 2q36.3.
Variant type: single nucleotide variant.
Coding change: c.250-11T>G on transcript NM_024795.4 (MANE Select); 11 bases into the intron before coding-DNA position 250, T replaced by G.
Molecular consequence: intron variant.
Genome position (GRCh38, 1-based): chr2:227,366,255, A>C on the plus strand (T>G on the coding strand, the complement: TM4SF20 is on the minus strand). VCF-style: chr2-227366255-A-C. GRCh37 (hg19) VCF-style: chr2-228230971-A-C.
Identifiers: ClinVar variation 4769664 (VCV004769664.1).